The following is an entry in ClinVar:

ClinVar aggregate classification (germline): Likely benign. Review status: criteria provided, single submitter (1 of 4 stars). 2 submissions from 2 submitters: Likely benign (1). 1 of the submissions does not count toward it. Last evaluated 2022-04-01.

Conditions:
CIC-related disorder. Also called: CIC-related condition.

Allele frequency attached by ClinVar (database versions not stated): gnomAD exomes 0.00004; gnomAD 0.00005; TOPMed 0.00005.

Submissions (2):

CeGaT Center for Human Genetics Tuebingen
Classification: Likely benign. Last evaluated: 2022-04-01. Review status: criteria provided, single submitter. Criteria: CeGaT Center For Human Genetics Tuebingen Variant Classification Criteria Version 2. Collection method: clinical testing. Allele origin: germline. Affected: yes. Observed: 1 variant allele.
Comment: CIC: BS2

PreventionGenetics, part of Exact Sciences
Classification: Likely benign for CIC-related condition. Last evaluated: 2023-10-04. Review status: no assertion criteria provided. Collection method: clinical testing. Allele origin: germline. Not counted in ClinVar's aggregate classification.
Comment: This variant is classified as likely benign based on ACMG/AMP sequence variant interpretation guidelines (Richards et al. 2015 PMID: 25741868, with internal and published modifications).

NM_001386298.1(CIC):c.302G>A (p.Arg101His)

Gene: CIC (capicua transcriptional repressor; plus strand). Cytogenetic location: 19q13.2.
Variant type: single nucleotide variant.
Coding change: c.302G>A on transcript NM_001386298.1 (MANE Select); coding-DNA position 302, G replaced by A.
Protein change: p.Arg101His; replaces arginine 101 with histidine.
Molecular consequence: missense variant.
Genome position (GRCh38, 1-based): chr19:42,272,085, G>A. VCF-style: chr19-42272085-G-A. GRCh37 (hg19) VCF-style: chr19-42776237-G-A.
Other names: c.302G>A, p.Arg101His (NM_001304815.2, NM_001379480.1, NM_001379482.1 and 1 more transcripts); short protein forms R101H.
Identifiers: ClinVar variation 2649945 (VCV002649945.25), dbSNP rs1018467991, ClinGen allele CA308614424.
Genomic context (GRCh38, chr19:42,272,085, plus strand): 5'-ACCCTGGCGACCCGGCTCCAGGCCCAGCAGAGGACCCCAAAGGGGATGGGGAGGCAGGCC[G>A]CTGGGAGCCCTCACTCAGCCGCAAGACAGCCACGTTCAAGTCTCGAGCGCCCAAGAAGAA-3'
Protein context (NP_001373227.1, residues 91-111): EDPKGDGEAG[Arg101His]WEPSLSRKTA